The following is an entry in ClinVar:

NM_025114.4(CEP290):c.3124A>G (p.Lys1042Glu)

Gene: CEP290 (centrosomal protein 290; minus strand). Cytogenetic location: 12q21.32.
Variant type: single nucleotide variant.
Coding change: c.3124A>G on transcript NM_025114.4 (MANE Select); coding-DNA position 3124, A replaced by G.
Protein change: p.Lys1042Glu; replaces lysine 1042 with glutamic acid.
Molecular consequence: missense variant.
Genome position (GRCh38, 1-based): chr12:88,093,955, T>C on the plus strand (A>G on the coding strand, the complement: CEP290 is on the minus strand). VCF-style: chr12-88093955-T-C. GRCh37 (hg19) VCF-style: chr12-88487732-T-C.
Other names: short protein forms K1042E.
Identifiers: ClinVar variation 949659 (VCV000949659.10), dbSNP rs1468626083, ClinGen allele CA386006552.

ClinVar aggregate classification (germline): Uncertain significance. Review status: criteria provided, multiple submitters, no conflicts (2 of 4 stars). 3 submissions from 3 submitters: Uncertain significance (2). 1 of the submissions does not count toward it. Last evaluated 2025-02-22.

Conditions:
Inborn genetic diseases. Identifiers: MedGen C0950123, MeSH D030342.
Meckel-Gruber syndrome. Also called: Dysencephalia splachnocystica; DYSENCEPHALIA SPLANCHNOCYSTICA; GRUBER SYNDROME. Identifiers: Orphanet 564, MedGen C0265215, MONDO:0018921.
Nephronophthisis. Also called: Juvenile Nephronophthisis. Identifiers: Orphanet 655, MedGen C0687120, MONDO:0019005, HP:0000090.
Joubert syndrome. Also called: Familial aplasia of the vermis; CEREBELLOPARENCHYMAL DISORDER IV; JOUBERT-BOLTSHAUSER SYNDROME. Identifiers: Orphanet 475, MedGen C5979921, MONDO:0018772.
Leber congenital amaurosis (LCA). Also called: Leber's amaurosis. Identifiers: Orphanet 65, MedGen C0339527, MeSH D057130, MONDO:0018998.

Allele frequency attached by ClinVar (database versions not stated): gnomAD exomes below 0.00001 and 0.00002; gnomAD 0.00001; TOPMed 0.00001.
gnomAD v4.1: 6 of 1,610,296 alleles (0.00037%); highest among the groups gnomAD compares: East Asian, 0.013%; no homozygotes.

Submissions (3):

Ambry Genetics
Classification: Uncertain significance for Inborn genetic diseases. Last evaluated: 2025-02-22. Review status: criteria provided, single submitter. Criteria: Ambry Variant Classification Scheme 2023. Collection method: clinical testing. Allele origin: germline.

Labcorp Genetics (formerly Invitae), Labcorp
Classification: Uncertain significance for Joubert syndrome; Meckel-Gruber syndrome; Nephronophthisis. Last evaluated: 2024-02-24. Review status: criteria provided, single submitter. Criteria: Invitae Variant Classification Sherloc (09022015). Collection method: clinical testing. Allele origin: germline.
Comment: This sequence change replaces lysine, which is basic and polar, with glutamic acid, which is acidic and polar, at codon 1042 of the CEP290 protein (p.Lys1042Glu). This variant is present in population databases (no rsID available, gnomAD 0.02%). This variant has not been reported in the literature in individuals affected with CEP290-related conditions. ClinVar contains an entry for this variant (Variation ID: 949659). Advanced modeling of protein sequence and biophysical properties (such as structural, functional, and spatial information, amino acid conservation, physicochemical variation, residue mobility, and thermodynamic stability) has been performed at Invitae for this missense variant, however the output from this modeling did not meet the statistical confidence thresholds required to predict the impact of this variant on CEP290 protein function. In summary, the available evidence is currently insufficient to determine the role of this variant in disease. Therefore, it has been classified as a Variant of Uncertain Significance.

Natera, Inc.
Classification: Uncertain significance for Leber congenital amaurosis. Last evaluated: 2020-09-08. Review status: no assertion criteria provided. Collection method: clinical testing. Allele origin: germline. Not counted in ClinVar's aggregate classification.